The following is an entry in ClinVar:

NM_003480.4(MFAP5):c.454C>A (p.Arg152Ser)

Genes: MFAP5 (microfibril associated protein 5; minus strand), LOC126861443 (BRD4-independent group 4 enhancer GRCh37_chr12:8800473-8801672; plus strand). Cytogenetic location: 12p13.31.
Variant type: single nucleotide variant.
Coding change: c.454C>A on transcript NM_003480.4 (MANE Select); coding-DNA position 454, C replaced by A.
Protein change: p.Arg152Ser; replaces arginine 152 with serine.
Molecular consequence: missense variant. On other transcripts: non-coding transcript variant (2).
Genome position (GRCh38, 1-based): chr12:8,648,159, G>T on the plus strand (C>A on the coding strand, the complement: MFAP5 is on the minus strand). VCF-style: chr12-8648159-G-T. GRCh37 (hg19) VCF-style: chr12-8800755-G-T.
Other names: c.262C>A, p.Arg88Ser (NM_001297712.2); c.424C>A, p.Arg142Ser (NM_001297709.2); c.388C>A, p.Arg130Ser (NM_001297710.2); c.379C>A, p.Arg127Ser (NM_001297711.2); short protein forms R127S, R130S, R152S, R88S, R142S.
Identifiers: ClinVar variation 1741410 (VCV001741410.8), dbSNP rs765205871, ClinGen allele CA6434568.

ClinVar aggregate classification (germline): Uncertain significance. Review status: criteria provided, multiple submitters, no conflicts (2 of 4 stars). 2 submissions from 2 submitters: Uncertain significance (2). Last evaluated 2024-10-28.

Conditions:
Cardiovascular phenotype. Identifiers: MedGen CN230736.

Allele frequency attached by ClinVar (database versions not stated): 1000 Genomes Project 30x 0.00016.

Submissions (2):

Ambry Genetics
Classification: Uncertain significance for Cardiovascular phenotype. Last evaluated: 2024-10-28. Review status: criteria provided, single submitter. Criteria: Ambry Variant Classification Scheme 2023. Collection method: clinical testing. Allele origin: germline.
Comment: The p.R152S variant (also known as c.454C>A), located in coding exon 9 of the MFAP5 gene, results from a C to A substitution at nucleotide position 454. The arginine at codon 152 is replaced by serine, an amino acid with dissimilar properties. This amino acid position is conserved. In addition, the in silico prediction for this alteration is inconclusive. Since supporting evidence is limited at this time, the clinical significance of this alteration remains unclear.

Labcorp Genetics (formerly Invitae), Labcorp
Classification: Uncertain significance. Last evaluated: 2024-05-02. Review status: criteria provided, single submitter. Criteria: Invitae Variant Classification Sherloc (09022015). Collection method: clinical testing. Allele origin: germline.
Comment: This sequence change replaces arginine, which is basic and polar, with serine, which is neutral and polar, at codon 152 of the MFAP5 protein (p.Arg152Ser). This variant is present in population databases (rs765205871, gnomAD 0.05%), and has an allele count higher than expected for a pathogenic variant. This variant has not been reported in the literature in individuals affected with MFAP5-related conditions. ClinVar contains an entry for this variant (Variation ID: 1741410). An algorithm developed to predict the effect of missense changes on protein structure and function (PolyPhen-2) suggests that this variant is likely to be disruptive. In summary, the available evidence is currently insufficient to determine the role of this variant in disease. Therefore, it has been classified as a Variant of Uncertain Significance.